The following is an entry in ClinVar:

NM_001142633.3(PIK3R5):c.1791C>T (p.Thr597=)

Gene: PIK3R5 (phosphoinositide-3-kinase regulatory subunit 5; minus strand). Cytogenetic location: 17p13.1.
Variant type: single nucleotide variant.
Coding change: c.1791C>T on transcript NM_001142633.3 (MANE Select); coding-DNA position 1791, C replaced by T.
Protein change: p.Thr597=; no amino-acid change (threonine 597 retained).
Molecular consequence: synonymous variant.
Genome position (GRCh38, 1-based): chr17:8,887,210, G>A on the plus strand (C>T on the coding strand, the complement: PIK3R5 is on the minus strand). VCF-style: chr17-8887210-G-A. GRCh37 (hg19) VCF-style: chr17-8790527-G-A.
Other names: c.633C>T, p.Thr211= (NM_001251851.2, NM_001251852.2, NM_001251853.2 and 5 more transcripts); c.1791C>T, p.Thr597= (NM_001388396.1, NM_014308.4).
Identifiers: ClinVar variation 715692 (VCV000715692.6), dbSNP rs62638685, ClinGen allele CA8380439.

ClinVar aggregate classification (germline): Benign. Review status: criteria provided, multiple submitters, no conflicts (2 of 4 stars). 3 submissions from 3 submitters: Benign (2). 1 of the submissions does not count toward it. Last evaluated 2018-05-16.

Conditions:
PIK3R5-related disorder. Also called: PIK3R5-related condition.

Allele frequency attached by ClinVar (database versions not stated): gnomAD exomes 0.00010 and 0.00033; ExAC 0.00044; ESP Exome Variant Server 0.00115; gnomAD 0.00144 and 0.00148; TOPMed 0.00149; 1000 Genomes Project 0.00319; 1000 Genomes Project 30x 0.00328.
gnomAD v4.1: 374 of 1,613,902 alleles (0.023%); highest among the groups gnomAD compares: African/African-American, 0.45%; no homozygotes.

Submissions (3):

Labcorp Genetics (formerly Invitae), Labcorp
Classification: Benign. Last evaluated: 2018-05-16. Review status: criteria provided, single submitter. Criteria: Invitae Variant Classification Sherloc (09022015). Collection method: clinical testing. Allele origin: germline.

Breakthrough Genomics
Classification: Benign. Review status: criteria provided, single submitter. Criteria: ACMG Guidelines, 2015. Collection method: not provided. Allele origin: germline. Inheritance: Autosomal recessive inheritance. Affected: yes.

PreventionGenetics, part of Exact Sciences
Classification: Likely benign for PIK3R5-related condition. Last evaluated: 2019-12-06. Review status: no assertion criteria provided. Collection method: clinical testing. Allele origin: germline. Not counted in ClinVar's aggregate classification.
Comment: This variant is classified as likely benign based on ACMG/AMP sequence variant interpretation guidelines (Richards et al. 2015 PMID: 25741868, with internal and published modifications).